The following is an entry in ClinVar:

NM_002439.5(MSH3):c.2435+6T>C

Gene: MSH3 (mutS homolog 3; plus strand). Cytogenetic location: 5q14.1.
Variant type: single nucleotide variant.
Coding change: c.2435+6T>C on transcript NM_002439.5 (MANE Select); 6 bases into the intron after coding-DNA position 2435, T replaced by C.
Molecular consequence: intron variant.
Genome position (GRCh38, 1-based): chr5:80,778,842, T>C. VCF-style: chr5-80778842-T-C. GRCh37 (hg19) VCF-style: chr5-80074661-T-C.
Identifiers: ClinVar variation 1519230 (VCV001519230.6), dbSNP rs2112008031, ClinGen allele CA2573139955.

ClinVar aggregate classification (germline): Uncertain significance (1 of 4 stars; one submission).

Submission:

Labcorp Genetics (formerly Invitae), Labcorp
Classification: Uncertain significance. Last evaluated: 2024-06-15. Review status: criteria provided, single submitter. Criteria: Invitae Variant Classification Sherloc (09022015). Collection method: clinical testing. Allele origin: germline.
Comment: This sequence change falls in intron 17 of the MSH3 gene. It does not directly change the encoded amino acid sequence of the MSH3 protein. It affects a nucleotide within the consensus splice site. This variant is not present in population databases (gnomAD no frequency). This variant has not been reported in the literature in individuals affected with MSH3-related conditions. ClinVar contains an entry for this variant (Variation ID: 1519230). Variants that disrupt the consensus splice site are a relatively common cause of aberrant splicing (PMID: 17576681, 9536098). Algorithms developed to predict the effect of sequence changes on RNA splicing suggest that this variant may disrupt the consensus splice site. In summary, the available evidence is currently insufficient to determine the role of this variant in disease. Therefore, it has been classified as a Variant of Uncertain Significance.

Literature cited by the submitters: PubMed 17576681; PubMed 9536098.